The following is an entry in ClinVar:

ClinVar aggregate classification (germline): Uncertain significance (1 of 4 stars; one submission).

Allele frequency attached by ClinVar (database versions not stated): gnomAD exomes below 0.00001; TOPMed below 0.00001; gnomAD 0.00001.

Submission:

Labcorp Genetics (formerly Invitae), Labcorp
Classification: Uncertain significance. Last evaluated: 2021-08-31. Review status: criteria provided, single submitter. Criteria: Invitae Variant Classification Sherloc (09022015). Collection method: clinical testing. Allele origin: germline.
Comment: This sequence change replaces phenylalanine with leucine at codon 378 of the KCNJ1 protein (p.Phe378Leu). The phenylalanine residue is moderately conserved and there is a small physicochemical difference between phenylalanine and leucine. This variant is not present in population databases (ExAC no frequency). This variant has not been reported in the literature in individuals affected with KCNJ1-related conditions. Algorithms developed to predict the effect of missense changes on protein structure and function are either unavailable or do not agree on the potential impact of this missense change (SIFT: "Tolerated"; PolyPhen-2: "Probably Damaging"; Align-GVGD: "Class C0"). In summary, the available evidence is currently insufficient to determine the role of this variant in disease. Therefore, it has been classified as a Variant of Uncertain Significance.

NM_153766.3(KCNJ1):c.1077C>A (p.Phe359Leu)

Gene: KCNJ1 (potassium inwardly rectifying channel subfamily J member 1; minus strand). Cytogenetic location: 11q24.3.
Variant type: single nucleotide variant.
Coding change: c.1077C>A on transcript NM_153766.3 (MANE Select); coding-DNA position 1077, C replaced by A.
Protein change: p.Phe359Leu; replaces phenylalanine 359 with leucine.
Molecular consequence: missense variant.
Genome position (GRCh38, 1-based): chr11:128,839,167, G>T on the plus strand (C>A on the coding strand, the complement: KCNJ1 is on the minus strand). VCF-style: chr11-128839167-G-T. GRCh37 (hg19) VCF-style: chr11-128709062-G-T.
Other names: c.1134C>A, p.Phe378Leu (NM_000220.6); c.1077C>A, p.Phe359Leu (NM_153764.3, NM_153767.4); c.1128C>A, p.Phe376Leu (NM_153765.3); short protein forms F359L, F376L, F378L.
Identifiers: ClinVar variation 965937 (VCV000965937.7), dbSNP rs1290761147, ClinGen allele CA383242700.